The following is an entry in ClinVar:

ClinVar aggregate classification (germline): Uncertain significance. Review status: criteria provided, multiple submitters, no conflicts (2 of 4 stars). 3 submissions from 3 submitters: Uncertain significance (3). Last evaluated 2024-08-24.
ClinVar aggregate classification (oncogenicity): Uncertain significance (1 of 4 stars; one submission).

Conditions:
X-linked intellectual disability with marfanoid habitus. Also called: Lujan Syndrome; Lujan Syndrome (LS); X-linked mental retardation with marfanoid habitus syndrome; INTELLECTUAL DEVELOPMENTAL DISORDER, X-LINKED, SYNDROMIC, LUJAN-FRYNS TYPE. Identifiers: Orphanet 776, MedGen C0796022, MONDO:0010655, OMIM 309520.
Cholestasis-pigmentary retinopathy-cleft palate syndrome (HDKR). Also called: Hardikar Syndrome (HS). Identifiers: Orphanet 1415, MedGen C0795969, MeSH C535632, MONDO:0012997, OMIM 301068.
Blepharophimosis - intellectual disability syndrome, MKB type. Also called: BLEPHAROPHIMOSIS-MENTAL RETARDATION SYNDROME, MAAT-KIEVIT-BRUNNER TYPE; Ohdo syndrome, X-linked; X-Linked Ohdo Syndrome (XLOS). Identifiers: Orphanet 293707, MedGen C3698541, MONDO:0010477, OMIM 300895.
FG syndrome 1 (OKS). Also called: FG Syndrome Type 1 (FGS1); OPITZ-KAVEGGIA SYNDROME; KELLER SYNDROME; MENTAL RETARDATION, LARGE HEAD, IMPERFORATE ANUS, CONGENITAL HYPOTONIA, AND PARTIAL AGENESIS OF CORPUS CALLOSUM. Identifiers: Orphanet 93932, MedGen C5399762, MONDO:0010590, OMIM 305450.
FG syndrome (FGS). Identifiers: MedGen C0220769, MONDO:0002010.
Neoplasm. Also called: tumor; Neoplasms; Neoplasm (disease). Identifiers: MedGen C0027651, MeSH D009369, MONDO:0005070, HP:0002664.

Allele frequency attached by ClinVar (database versions not stated): gnomAD exomes 0.00001; TOPMed 0.00002.
gnomAD v4.1: 10 of 1,206,420 alleles (0.00083%); highest among the groups gnomAD compares: Admixed American, 0.0043%; no homozygotes.

Submissions (6):

Center for Genomic Medicine, Rigshospitalet, Copenhagen University Hospital
Classification: Uncertain significance for Neoplasm. Last evaluated: 2026-10-16. Review status: criteria provided, single submitter. Criteria: ClinGen/CGC/VICC Guidelines for Oncogenicity, 2022. Collection method: clinical testing. Allele origin: somatic. Affected: yes.

Labcorp Genetics (formerly Invitae), Labcorp
Classification: Uncertain significance for FG syndrome. Last evaluated: 2024-08-24. Review status: criteria provided, single submitter. Criteria: Invitae Variant Classification Sherloc (09022015). Collection method: clinical testing. Allele origin: germline.
Comment: This sequence change affects codon 582 of the MED12 mRNA. It is a 'silent' change, meaning that it does not change the encoded amino acid sequence of the MED12 protein. This variant is present in population databases (rs773240125, gnomAD 0.004%). This variant has not been reported in the literature in individuals affected with MED12-related conditions. ClinVar contains an entry for this variant (Variation ID: 1526230). Algorithms developed to predict the effect of sequence changes on RNA splicing suggest that this variant may create or strengthen a splice site. In summary, the available evidence is currently insufficient to determine the role of this variant in disease. Therefore, it has been classified as a Variant of Uncertain Significance.

3billion
Classification: Uncertain significance for X-linked intellectual disability with marfanoid habitus. Last evaluated: 2022-03-22. Review status: criteria provided, single submitter. Criteria: ACMG Guidelines, 2015. Collection method: clinical testing. Allele origin: germline. Affected: yes. Observed: 1 hemizygote.
Comment: The variant is observed at an extremely low frequency in the gnomAD v2.1.1 dataset (total allele frequency: 0.0000055). In silico tools predict the variant to alter splicing and produce an abnormal transcript (SPLICEAI: 0.99>=0.8). Therefore, this variant is classified as uncertain significance according to the recommendation of ACMG/AMP guideline.

Juno Genomics, Hangzhou Juno Genomics, Inc
Classification: Uncertain significance for Cholestasis-pigmentary retinopathy-cleft palate syndrome; X-linked intellectual disability with marfanoid habitus; Blepharophimosis - intellectual disability syndrome, MKB type; FG syndrome 1. Review status: criteria provided, single submitter. Criteria: ACMG Guidelines, 2015. Collection method: clinical testing. Allele origin: germline.
Comment: Absent from controls (or at extremely low frequency if recessive) in Genome Aggregation Database.;Multiple lines of computational evidence support a deleterious effect on the gene or gene product.

Dr. Peter K. Rogan Lab, Western University
No classification provided (evidence only). Condition: Thyroid cancer, nonmedullary, 1. Review status: no classification provided. Collection method: in vitro. Allele origin: not applicable. Functional consequence: retained intron. Not counted in ClinVar's aggregate classification.

Dr. Peter K. Rogan Lab, Western University
No classification provided (evidence only). Condition: Gastric cancer. Review status: no classification provided. Collection method: in vitro. Allele origin: not applicable. Functional consequence: retained intron. Not counted in ClinVar's aggregate classification.

Literature cited by the submitters: PubMed 31275557 (cited by Center for Genomic Medicine, Rigshospitalet, Copenhagen University Hospital).

NM_005120.3(MED12):c.1746G>A (p.Thr582=)

Gene: MED12 (mediator complex subunit 12; plus strand). Cytogenetic location: Xq13.1.
Variant type: single nucleotide variant.
Coding change: c.1746G>A on transcript NM_005120.3 (MANE Select); coding-DNA position 1746, G replaced by A.
Protein change: p.Thr582=; no amino-acid change (threonine 582 retained).
Molecular consequence: synonymous variant.
Genome position (GRCh38, 1-based): chrX:71,124,160, G>A. VCF-style: chrX-71124160-G-A. GRCh37 (hg19) VCF-style: chrX-70344010-G-A.
Identifiers: ClinVar variation 1526230 (VCV001526230.8), dbSNP rs773240125, ClinGen allele CA10444249.